The following is an entry in ClinVar:

NM_007194.4(CHEK2):c.339C>T (p.Tyr113=)

Gene: CHEK2 (checkpoint kinase 2; minus strand). Cytogenetic location: 22q12.1.
Variant type: single nucleotide variant.
Coding change: c.339C>T on transcript NM_007194.4 (MANE Select); coding-DNA position 339, C replaced by T.
Protein change: p.Tyr113=; no amino-acid change (tyrosine 113 retained).
Molecular consequence: synonymous variant.
Genome position (GRCh38, 1-based): chr22:28,725,348, G>A on the plus strand (C>T on the coding strand, the complement: CHEK2 is on the minus strand). VCF-style: chr22-28725348-G-A. GRCh37 (hg19) VCF-style: chr22-29121336-G-A.
Other names: c.468C>T, p.Tyr156= (NM_001005735.3); c.-439C>T (NM_001257387.3); c.339C>T, p.Tyr113= (NM_001349956.3, NM_145862.3).
Identifiers: ClinVar variation 481710 (VCV000481710.20), dbSNP rs905674348, ClinGen allele CA513945309.

ClinVar aggregate classification (germline): Benign/Likely benign. Review status: criteria provided, multiple submitters, no conflicts (2 of 4 stars). 4 submissions from 4 submitters: Benign (1); Likely benign (3). Last evaluated 2026-01-21.

Conditions:
Familial cancer of breast. Also called: BREAST CANCER, FAMILIAL; Hereditary breast cancer; hereditary breast carcinoma. Identifiers: Orphanet 227535, MedGen C0346153, MONDO:0016419, OMIM 114480. Disease mechanism: loss of function.
Hereditary cancer-predisposing syndrome. Also called: Neoplastic Syndromes, Hereditary; Tumor predisposition; Hereditary Cancer Syndrome; Hereditary neoplastic syndrome. Identifiers: Orphanet 140162, MedGen C0027672, MeSH D009386, MONDO:0015356.

Allele frequency attached by ClinVar (database versions not stated): gnomAD exomes 0.00001.
gnomAD v4.1: 9 of 1,613,956 alleles (0.00056%); highest among the groups gnomAD compares: Non-Finnish European, 0.00076%; no homozygotes.

Submissions (4):

Labcorp Genetics (formerly Invitae), Labcorp
Classification: Likely benign for Familial cancer of breast. Last evaluated: 2026-01-21. Review status: criteria provided, single submitter. Criteria: Invitae Variant Classification Sherloc (09022015). Collection method: clinical testing. Allele origin: germline.

Myriad Genetics, Inc.
Classification: Benign for Familial cancer of breast. Last evaluated: 2024-10-02. Review status: criteria provided, single submitter. Criteria: Myriad Autosomal Dominant, Autosomal Recessive and X-Linked Classification Criteria (2023). Collection method: clinical testing. Allele origin: unknown.
Comment: This variant is considered benign. This variant is a silent/synonymous amino acid change and it is not expected to impact splicing.

Color Diagnostics, LLC DBA Color Health
Classification: Likely benign for Hereditary cancer-predisposing syndrome. Last evaluated: 2019-04-23. Review status: criteria provided, single submitter. Criteria: ACMG Guidelines, 2015. Collection method: clinical testing. Allele origin: germline.

Ambry Genetics
Classification: Likely benign for Hereditary cancer-predisposing syndrome. Last evaluated: 2016-03-18. Review status: criteria provided, single submitter. Criteria: Ambry Variant Classification Scheme 2023. Collection method: clinical testing. Allele origin: germline.